The following is an entry in ClinVar:

NM_002641.4(PIGA):c.530A>G (p.Asp177Gly)

Gene: PIGA (phosphatidylinositol glycan anchor biosynthesis class A; minus strand). Cytogenetic location: Xp22.2.
Variant type: single nucleotide variant.
Coding change: c.530A>G on transcript NM_002641.4 (MANE Select); coding-DNA position 530, A replaced by G.
Protein change: p.Asp177Gly; replaces aspartic acid 177 with glycine.
Molecular consequence: missense variant. On other transcripts: intron variant (1).
Genome position (GRCh38, 1-based): chrX:15,331,401, T>C on the plus strand (A>G on the coding strand, the complement: PIGA is on the minus strand). VCF-style: chrX-15331401-T-C. GRCh37 (hg19) VCF-style: chrX-15349523-T-C.
Other names: c.13+4100A>G (NM_020473.3); short protein forms D177G.
Identifiers: ClinVar variation 3649498 (VCV003649498.2).

ClinVar aggregate classification (germline): Uncertain significance (1 of 4 stars; one submission).

Conditions:
Multiple congenital anomalies-hypotonia-seizures syndrome 2 (MCAHS2). Also called: EPILEPTIC ENCEPHALOPATHY, EARLY INFANTILE, 20; GLYCOSYLPHOSPHATIDYLINOSITOL BIOSYNTHESIS DEFECT 4. Identifiers: Orphanet 300496, MedGen C3275508, MONDO:0010466, OMIM 300868.

gnomAD v4.1: 3 of 1,210,538 alleles (0.00025%); highest among the groups gnomAD compares: East Asian, 0.003%; no homozygotes.

Submission:

Labcorp Genetics (formerly Invitae), Labcorp
Classification: Uncertain significance for Multiple congenital anomalies-hypotonia-seizures syndrome 2. Last evaluated: 2024-05-15. Review status: criteria provided, single submitter. Criteria: Invitae Variant Classification Sherloc (09022015). Collection method: clinical testing. Allele origin: germline.
Comment: This sequence change replaces aspartic acid, which is acidic and polar, with glycine, which is neutral and non-polar, at codon 177 of the PIGA protein (p.Asp177Gly). This variant is not present in population databases (gnomAD no frequency). This variant has not been reported in the literature in individuals affected with PIGA-related conditions. Advanced modeling of protein sequence and biophysical properties (such as structural, functional, and spatial information, amino acid conservation, physicochemical variation, residue mobility, and thermodynamic stability) performed at Invitae indicates that this missense variant is not expected to disrupt PIGA protein function with a negative predictive value of 80%. In summary, the available evidence is currently insufficient to determine the role of this variant in disease. Therefore, it has been classified as a Variant of Uncertain Significance.